The following is an entry in ClinVar:

ClinVar aggregate classification (germline): Uncertain significance (1 of 4 stars; one submission).

Allele frequency attached by ClinVar (database versions not stated): ExAC 0.00001; gnomAD exomes 0.00002; TOPMed 0.00020; gnomAD 0.00024.
gnomAD v4.1: 68 of 1,607,524 alleles (0.0042%); highest among the groups gnomAD compares: Admixed American, 0.11%; no homozygotes.

Submission:

Labcorp Genetics (formerly Invitae), Labcorp
Classification: Uncertain significance. Last evaluated: 2025-08-12. Review status: criteria provided, single submitter. Criteria: Invitae Variant Classification Sherloc (09022015). Collection method: clinical testing. Allele origin: germline.
Comment: This sequence change falls in intron 8 of the SLC27A5 gene. It does not directly change the encoded amino acid sequence of the SLC27A5 protein. This variant is present in population databases (rs754023114, gnomAD 0.04%). This variant has not been reported in the literature in individuals affected with SLC27A5-related conditions. ClinVar contains an entry for this variant (Variation ID: 1991138). Algorithms developed to predict the effect of sequence changes on RNA splicing suggest that this variant may disrupt the consensus splice site. In summary, the available evidence is currently insufficient to determine the role of this variant in disease. Therefore, it has been classified as a Variant of Uncertain Significance.

NM_012254.3(SLC27A5):c.1766-17A>T

Gene: SLC27A5 (solute carrier family 27 member 5; minus strand). Cytogenetic location: 19q13.43.
Variant type: single nucleotide variant.
Coding change: c.1766-17A>T on transcript NM_012254.3 (MANE Select); 17 bases into the intron before coding-DNA position 1766, A replaced by T.
Molecular consequence: intron variant.
Genome position (GRCh38, 1-based): chr19:58,498,932, T>A on the plus strand (A>T on the coding strand, the complement: SLC27A5 is on the minus strand). VCF-style: chr19-58498932-T-A. GRCh37 (hg19) VCF-style: chr19-59010299-T-A.
Other names: c.1514-17A>T (NM_001321196.2).
Identifiers: ClinVar variation 1991138 (VCV001991138.4), dbSNP rs754023114, ClinGen allele CA9717821.